The following is an entry in ClinVar:

NM_153006.3(NAGS):c.872T>A (p.Ile291Asn)

Gene: NAGS (N-acetylglutamate synthase; plus strand). Cytogenetic location: 17q21.31.
Variant type: single nucleotide variant.
Coding change: c.872T>A on transcript NM_153006.3 (MANE Select); coding-DNA position 872, T replaced by A.
Protein change: p.Ile291Asn; replaces isoleucine 291 with asparagine.
Molecular consequence: missense variant.
Genome position (GRCh38, 1-based): chr17:44,006,194, T>A. VCF-style: chr17-44006194-T-A. GRCh37 (hg19) VCF-style: chr17-42083562-T-A.
Other names: short protein forms I291N.
Identifiers: ClinVar variation 2432020 (VCV002432020.5), dbSNP rs2509280602, ClinGen allele CA399725798.

ClinVar aggregate classification (germline): Conflicting classifications of pathogenicity. Review status: criteria provided, conflicting classifications (1 of 4 stars). 3 submissions from 3 submitters: Likely pathogenic (1); Uncertain significance (2). Last evaluated 2024-07-16.

Conditions:
Hyperammonemia, type III (NAGSD). Also called: Hyperammonemia due to N-acetylglutamate synthase deficiency. Identifiers: Orphanet 927, MedGen C0268543, MONDO:0009377, OMIM 237310.

Allele frequency attached by ClinVar (database versions not stated): gnomAD exomes below 0.00001.
gnomAD v4.1: 4 of 1,613,284 alleles (0.00025%); highest among the groups gnomAD compares: Non-Finnish European, 0.00017%; no homozygotes.

Submissions (3):

Women's Health and Genetics/Laboratory Corporation of America, LabCorp
Classification: Uncertain significance. Last evaluated: 2024-07-16. Review status: criteria provided, single submitter. Criteria: LabCorp Variant Classification Summary - May 2015. Collection method: clinical testing. Allele origin: germline.
Comment: Variant summary: NAGS c.872T>A (p.Ile291Asn) results in a non-conservative amino acid change located in the Aspartate/glutamate/uridylate kinase domain (IPR001048) of the encoded protein sequence. Five of five in-silico tools predict a damaging effect of the variant on protein function. The variant was absent in 247922 control chromosomes. c.872T>A has been reported in the homozygous state in multiple related individuals in the literature affected with clinical features NAGS deficiency (example, Sancho-Vaello_2016), however the clinical course was late-onset/mild, and follow up assessments described phenotypes as "normal" and not requiring N-carbamyl-L-glutamate therapy. These data indicate that the variant may be associated with a mild, hypomorphic, and/or partial presentation of disease which may be influenced by environmental factors. Multiple publications report experimental in vitro evidence evaluating an impact on protein function in both bacterial and human-derived models of the enzyme encoded by NAGS. The most pronounced variant effect results in 30%-50% of normal enzyme activity, and thermal instability has also been noted (example, Sancho-Vaello_2016, Gougeard_2024). The following publications have been ascertained in the context of this evaluation (PMID: 27570737, 27037498, 38740568). ClinVar contains an entry for this variant (Variation ID: 2432020). Based on the evidence outlined above, the variant was classified as VUS-possibly pathogenic.

Revvity Omics, Revvity
Classification: Likely pathogenic for Hyperammonemia, type III. Last evaluated: 2022-05-31. Review status: criteria provided, single submitter. Criteria: ACMG Guidelines, 2015. Collection method: clinical testing. Allele origin: germline.

Baylor Genetics
Classification: Uncertain significance for Hyperammonemia, type III. Last evaluated: 2021-12-14. Review status: criteria provided, single submitter. Criteria: ACMG Guidelines, 2015. Collection method: clinical testing. Allele origin: unknown.

Literature cited by the submitters: PubMed 27037498 (cited by Women's Health and Genetics/Laboratory Corporation of America, LabCorp); PubMed 27570737 (cited by Women's Health and Genetics/Laboratory Corporation of America, LabCorp); PubMed 38740568 (cited by Women's Health and Genetics/Laboratory Corporation of America, LabCorp).